The following is an entry in ClinVar:

ClinVar aggregate classification (germline): Uncertain significance (1 of 4 stars; one submission).

Conditions:
DNA ligase IV deficiency. Identifiers: Orphanet 99812, MedGen C1847827, MONDO:0011686, OMIM 606593.

Allele frequency attached by ClinVar (database versions not stated): gnomAD exomes 0.00001; ExAC 0.00002.
gnomAD v4.1: 16 of 1,613,966 alleles (0.00099%); highest among the groups gnomAD compares: South Asian, 0.0022%; no homozygotes.

Submission:

Labcorp Genetics (formerly Invitae), Labcorp
Classification: Uncertain significance for DNA ligase IV deficiency. Last evaluated: 2025-06-16. Review status: criteria provided, single submitter. Criteria: Invitae Variant Classification Sherloc (09022015). Collection method: clinical testing. Allele origin: germline.
Comment: This sequence change replaces tyrosine, which is neutral and polar, with cysteine, which is neutral and slightly polar, at codon 335 of the LIG4 protein (p.Tyr335Cys). This variant is present in population databases (rs774604168, gnomAD 0.002%). This variant has not been reported in the literature in individuals affected with LIG4-related conditions. ClinVar contains an entry for this variant (Variation ID: 2149572). Invitae Evidence Modeling of protein sequence and biophysical properties (such as structural, functional, and spatial information, amino acid conservation, physicochemical variation, residue mobility, and thermodynamic stability) indicates that this missense variant is expected to disrupt LIG4 protein function with a positive predictive value of 95%. In summary, the available evidence is currently insufficient to determine the role of this variant in disease. Therefore, it has been classified as a Variant of Uncertain Significance.

NM_206937.2(LIG4):c.1004A>G (p.Tyr335Cys)

Gene: LIG4 (DNA ligase 4; minus strand). Cytogenetic location: 13q33.3.
Variant type: single nucleotide variant.
Coding change: c.1004A>G on transcript NM_206937.2 (MANE Select); coding-DNA position 1004, A replaced by G.
Protein change: p.Tyr335Cys; replaces tyrosine 335 with cysteine.
Molecular consequence: missense variant.
Genome position (GRCh38, 1-based): chr13:108,210,265, T>C on the plus strand (A>G on the coding strand, the complement: LIG4 is on the minus strand). VCF-style: chr13-108210265-T-C. GRCh37 (hg19) VCF-style: chr13-108862613-T-C.
Other names: c.1004A>G, p.Tyr335Cys (NM_001098268.2, NM_001352598.2, NM_001352599.2 and 6 more transcripts); c.803A>G, p.Tyr268Cys (NM_001330595.2); c.1040A>G, p.Tyr347Cys (NM_001352604.2); short protein forms Y268C, Y347C, Y335C.
Identifiers: ClinVar variation 2149572 (VCV002149572.2), dbSNP rs774604168, ClinGen allele CA7043764.